The following is an entry in ClinVar:

ClinVar aggregate classification (germline): Uncertain significance. Review status: criteria provided, multiple submitters, no conflicts (2 of 4 stars). 3 submissions from 3 submitters: Uncertain significance (3). Last evaluated 2025-12-01.

Conditions:
KANK4-related disorder. Also called: KANK4-related condition.

Allele frequency attached by ClinVar (database versions not stated): ESP Exome Variant Server 0.00031; gnomAD 0.00033 and 0.00035.
gnomAD v4.1: 444 of 1,613,914 alleles (0.028%); highest among the groups gnomAD compares: Non-Finnish European, 0.034%; 1 homozygote.

Submissions (3):

Labcorp Genetics (formerly Invitae), Labcorp
Classification: Uncertain significance. Last evaluated: 2025-12-01. Review status: criteria provided, single submitter. Criteria: Invitae Variant Classification Sherloc (09022015). Collection method: clinical testing. Allele origin: germline.
Comment: This sequence change replaces methionine, which is neutral and non-polar, with lysine, which is basic and polar, at codon 977 of the KANK4 protein (p.Met977Lys). This variant is present in population databases (rs145877699, gnomAD 0.06%), and has an allele count higher than expected for a pathogenic variant. This variant has not been reported in the literature in individuals affected with KANK4-related conditions. ClinVar contains an entry for this variant (Variation ID: 1524284). An algorithm developed to predict the effect of missense changes on protein structure and function (PolyPhen-2) suggests that this variant is likely to be tolerated. In summary, the available evidence is currently insufficient to determine the role of this variant in disease. Therefore, it has been classified as a Variant of Uncertain Significance.

Ambry Genetics
Classification: Uncertain significance. Last evaluated: 2024-07-09. Review status: criteria provided, single submitter. Criteria: Ambry Variant Classification Scheme 2023. Collection method: clinical testing. Allele origin: germline.

PreventionGenetics, part of Exact Sciences
Classification: Uncertain significance for KANK4-related condition. Last evaluated: 2022-12-19. Review status: criteria provided, single submitter. Criteria: ACMG Guidelines, 2015. Collection method: clinical testing. Allele origin: germline.
Comment: The KANK4 c.2930T>A variant is predicted to result in the amino acid substitution p.Met977Lys. To our knowledge, this variant has not been reported in the literature. This variant is reported in 0.061% of alleles in individuals of European (Non-Finnish) descent in gnomAD. Although we suspect that this variant may be benign, at this time, the clinical significance of this variant is uncertain due to the absence of conclusive functional and genetic evidence.

NM_181712.5(KANK4):c.2930T>A (p.Met977Lys)

Gene: KANK4 (KN motif and ankyrin repeat domains 4; minus strand). Cytogenetic location: 1p31.3.
Variant type: single nucleotide variant.
Coding change: c.2930T>A on transcript NM_181712.5 (MANE Select); coding-DNA position 2930, T replaced by A.
Protein change: p.Met977Lys; replaces methionine 977 with lysine.
Molecular consequence: missense variant.
Genome position (GRCh38, 1-based): chr1:62,238,335, A>T on the plus strand (T>A on the coding strand, the complement: KANK4 is on the minus strand). VCF-style: chr1-62238335-A-T. GRCh37 (hg19) VCF-style: chr1-62704007-A-T.
Other names: c.1046T>A, p.Met349Lys (NM_001320269.2); c.2930T>A (NM_181712.4); short protein forms M349K, M977K.
Identifiers: ClinVar variation 1524284 (VCV001524284.8), dbSNP rs145877699, ClinGen allele CA883938.